The following is an entry in ClinVar:

ClinVar aggregate classification (germline): Benign (1 of 4 stars; one submission).

Submission:

ISCA site 4
Classification: Benign. Last evaluated: 2011-08-12. Review status: criteria provided, single submitter. Criteria: Kaminsky et al. (Genet Med. 2011). Collection method: clinical testing. Allele origin: unknown. Affected: yes. Observed: 1 variant allele.
Comment: Copy number variation identified through the course of routine clinical cytogenomic testing in postnatal populations. Clinical assertions have been curated as described in Kaminsky et al. 2011.

GRCh38/hg38 21q22.11(chr21:32338306-32536076)x3

Genes: EVA1C (eva-1 homolog C; plus strand), SNORA80A (small nucleolar RNA, H/ACA box 80A; minus strand), URB1 (URB1 ribosome biogenesis homolog; minus strand), URB1-AS1 (URB1 antisense RNA 1 (head to head); plus strand), LOC112694736 (Sharpr-MPRA regulatory region 9918; plus strand) and 4 more. Cytogenetic location: 21q22.11.
Variant type: copy number gain.
Change: copy number 3 (three copies instead of two) of chr21:32,338,306-32,536,076 (197.8 kb, GRCh38 coordinates, 1-based), cytogenetic band 21q22.11.
Identifiers: ClinVar variation 59760 (VCV000059760.1).